The following is an entry in ClinVar:

ClinVar aggregate classification (germline): Uncertain significance (1 of 4 stars; one submission).

Conditions:
Hereditary cancer-predisposing syndrome. Also called: Neoplastic Syndromes, Hereditary; Tumor predisposition; Hereditary Cancer Syndrome; Hereditary neoplastic syndrome. Identifiers: Orphanet 140162, MedGen C0027672, MeSH D009386, MONDO:0015356.

Submission:

Ambry Genetics
Classification: Uncertain significance for Hereditary cancer-predisposing syndrome. Last evaluated: 2026-01-10. Review status: criteria provided, single submitter. Criteria: Ambry Variant Classification Scheme 2023. Collection method: clinical testing. Allele origin: germline.
Comment: The p.N1194S variant (also known as c.3581A>G), located in coding exon 18 of the BLM gene, results from an A to G substitution at nucleotide position 3581. The asparagine at codon 1194 is replaced by serine, an amino acid with highly similar properties. This amino acid position is conserved. In addition, this alteration is predicted to be tolerated by in silico analysis. Based on the available evidence, the clinical significance of this variant remains unclear.

NM_000057.4(BLM):c.3581A>G (p.Asn1194Ser)

Gene: BLM (BLM RecQ like helicase; plus strand). Cytogenetic location: 15q26.1.
Variant type: single nucleotide variant.
Coding change: c.3581A>G on transcript NM_000057.4 (MANE Select); coding-DNA position 3581, A replaced by G.
Protein change: p.Asn1194Ser; replaces asparagine 1194 with serine.
Molecular consequence: missense variant. On other transcripts: intron variant (1).
Genome position (GRCh38, 1-based): chr15:90,804,189, A>G. VCF-style: chr15-90804189-A-G. GRCh37 (hg19) VCF-style: chr15-91347419-A-G.
Other names: c.3581A>G, p.Asn1194Ser (NM_001287246.2); c.2456A>G, p.Asn819Ser (NM_001287248.2); c.3359-4948A>G (NM_001287247.2); short protein forms N819S, N1194S.
Identifiers: ClinVar variation 4843398 (VCV004843398.1).
Genomic context (GRCh38, chr15:90,804,189, plus strand): 5'-ATATACCCACTCCTATGATTTGTTTCTCTCTCATAAAGGTAGACTTTATGGAAACAGAAA[A>G]TTCCAGCAGTGTGAAAAAACAAAAAGCGTTAGTAGCAAAAGTGTCTCAGAGGGAAGAGAT-3'
Protein context (NP_000048.1, residues 1184-1204): NLKVDFMETE[Asn1194Ser]SSSVKKQKAL